The following is an entry in ClinVar:

NM_000090.4(COL3A1):c.2932G>A (p.Gly978Ser)

Gene: COL3A1 (collagen type III alpha 1 chain; plus strand). Cytogenetic location: 2q32.2.
Variant type: single nucleotide variant.
Coding change: c.2932G>A on transcript NM_000090.4 (MANE Select); coding-DNA position 2932, G replaced by A.
Protein change: p.Gly978Ser; replaces glycine 978 with serine.
Molecular consequence: missense variant.
Genome position (GRCh38, 1-based): chr2:189,005,350, G>A. VCF-style: chr2-189005350-G-A. GRCh37 (hg19) VCF-style: chr2-189870076-G-A.
Other names: short protein forms G978S.
Identifiers: ClinVar variation 853303 (VCV000853303.10), dbSNP rs1688561706, ClinGen allele CA349844673.

ClinVar aggregate classification (germline): Pathogenic (1 of 4 stars; one submission).

Conditions:
Ehlers-Danlos syndrome, type 4 (EDSVASC). Also called: Ehlers-Danlos Syndrome Type IV; Ehlers-Danlos syndrome vascular type; Ehlers Danlos syndrome, ecchymotic type; Ehlers Danlos syndrome, arterial type; Ehlers Danlos syndrome, Sack-Barabas type. Identifiers: Orphanet 286, MedGen C0268338, MONDO:0017314, OMIM 130050.

Submission:

Labcorp Genetics (formerly Invitae), Labcorp
Classification: Pathogenic for Ehlers-Danlos syndrome, type 4. Last evaluated: 2019-11-26. Review status: criteria provided, single submitter. Criteria: Invitae Variant Classification Sherloc (09022015). Collection method: clinical testing. Allele origin: germline.
Comment: For these reasons, this variant has been classified as Pathogenic. Glycine residues within the Gly-Xaa-Yaa repeats of the triple helix domain are required for the structure and stability of fibrillar collagens (PMID: 7695699, 8218237, 19344236). In COL3A1, variants that affect these glycine residues are significantly enriched in individuals with disease (PMID: 24922459, 25758994) compared to the general population (ExAC). This variant disrupts the p.Gly978 amino acid residue in COL3A1. Other variant(s) that disrupt this residue have been observed in individuals with COL3A1-related conditions (PMID: 16863833, 29216800, 24922459, 27611364), which suggests that this may be a clinically significant amino acid residue. Algorithms developed to predict the effect of sequence changes on RNA splicing suggest that this variant may disrupt the consensus splice site, but this prediction has not been confirmed by published transcriptional studies. This variant has not been reported in the literature in individuals with COL3A1-related conditions. This variant is not present in population databases (ExAC no frequency). This sequence change replaces glycine with serine at codon 978 of the COL3A1 protein (p.Gly978Ser). The glycine residue is moderately conserved and there is a small physicochemical difference between glycine and serine.

Literature cited by the submitters: PubMed 7695699; PubMed 8218237; PubMed 19344236; PubMed 24922459; PubMed 25758994; PubMed 16863833; PubMed 29216800; PubMed 27611364.